The following is an entry in ClinVar:

NM_001041.4(SI):c.5113C>T (p.Gln1705Ter)

Gene: SI (sucrase-isomaltase; minus strand). Cytogenetic location: 3q26.1.
Variant type: single nucleotide variant.
Coding change: c.5113C>T on transcript NM_001041.4 (MANE Select); coding-DNA position 5113, C replaced by T.
Protein change: p.Gln1705Ter; replaces glutamine 1705 with a stop codon.
Molecular consequence: nonsense.
Genome position (GRCh38, 1-based): chr3:164,987,222, G>A on the plus strand (C>T on the coding strand, the complement: SI is on the minus strand). VCF-style: chr3-164987222-G-A. GRCh37 (hg19) VCF-style: chr3-164705010-G-A.
Other names: short protein forms Q1705*.
Identifiers: ClinVar variation 2100524 (VCV002100524.4), dbSNP rs1717481370, ClinGen allele CA355109729.

ClinVar aggregate classification (germline): Pathogenic (1 of 4 stars; one submission).

Allele frequency attached by ClinVar (database versions not stated): gnomAD exomes below 0.00001.
gnomAD v4.1: 5 of 1,612,648 alleles (0.00031%); highest among the groups gnomAD compares: Non-Finnish European, 0.00025%; no homozygotes.

Submission:

Labcorp Genetics (formerly Invitae), Labcorp
Classification: Pathogenic. Last evaluated: 2022-03-07. Review status: criteria provided, single submitter. Criteria: Invitae Variant Classification Sherloc (09022015). Collection method: clinical testing. Allele origin: germline.
Comment: For these reasons, this variant has been classified as Pathogenic. This variant has not been reported in the literature in individuals affected with SI-related conditions. This variant is not present in population databases (gnomAD no frequency). This sequence change creates a premature translational stop signal (p.Gln1705*) in the SI gene. It is expected to result in an absent or disrupted protein product. Loss-of-function variants in SI are known to be pathogenic (PMID: 16329100, 23103650, 25452324).

Literature cited by the submitters: PubMed 16329100; PubMed 23103650; PubMed 25452324.